The following is an entry in ClinVar:

ClinVar aggregate classification (germline): Uncertain significance. Review status: criteria provided, multiple submitters, no conflicts (2 of 4 stars). 3 submissions from 3 submitters: Uncertain significance (3). Last evaluated 2021-11-18.

Allele frequency attached by ClinVar (database versions not stated): ESP Exome Variant Server 0.00008; TOPMed 0.00008; gnomAD exomes 0.00010 and 0.00006; gnomAD 0.00002 and 0.00003; ExAC 0.00005.
gnomAD v4.1: 150 of 1,613,464 alleles (0.0093%); highest among the groups gnomAD compares: Non-Finnish European, 0.012%; no homozygotes.

Submissions (3):

Labcorp Genetics (formerly Invitae), Labcorp
Classification: Uncertain significance. Last evaluated: 2021-11-18. Review status: criteria provided, single submitter. Criteria: Invitae Variant Classification Sherloc (09022015). Collection method: clinical testing. Allele origin: germline.
Comment: This sequence change replaces aspartic acid, which is acidic and polar, with asparagine, which is neutral and polar, at codon 1434 of the HSPG2 protein (p.Asp1434Asn). This variant is present in population databases (rs369941068, gnomAD 0.01%). This variant has not been reported in the literature in individuals affected with HSPG2-related conditions. Algorithms developed to predict the effect of missense changes on protein structure and function are either unavailable or do not agree on the potential impact of this missense change (SIFT: "Deleterious"; PolyPhen-2: "Probably Damaging"; Align-GVGD: "Class C0"). In summary, the available evidence is currently insufficient to determine the role of this variant in disease. Therefore, it has been classified as a Variant of Uncertain Significance.

Revvity Omics, Revvity
Classification: Uncertain significance. Last evaluated: 2019-09-10. Review status: criteria provided, single submitter. Criteria: ACMG Guidelines, 2015. Collection method: clinical testing. Allele origin: germline.

Breakthrough Genomics
Classification: Uncertain significance. Review status: criteria provided, single submitter. Criteria: ACMG Guidelines, 2015. Collection method: not provided. Allele origin: germline. Inheritance: Autosomal recessive inheritance. Affected: yes.

NM_005529.7(HSPG2):c.4300G>A (p.Asp1434Asn)

Gene: HSPG2 (heparan sulfate proteoglycan 2; minus strand). Cytogenetic location: 1p36.12.
Variant type: single nucleotide variant.
Coding change: c.4300G>A on transcript NM_005529.7 (MANE Select); coding-DNA position 4300, G replaced by A.
Protein change: p.Asp1434Asn; replaces aspartic acid 1434 with asparagine.
Molecular consequence: missense variant.
Genome position (GRCh38, 1-based): chr1:21,865,731, C>T on the plus strand (G>A on the coding strand, the complement: HSPG2 is on the minus strand). VCF-style: chr1-21865731-C-T. GRCh37 (hg19) VCF-style: chr1-22192224-C-T.
Other names: c.4300G>A (NM_005529.5); c.4303G>A, p.Asp1435Asn (NM_001291860.2); short protein forms D1434N, D1435N.
Identifiers: ClinVar variation 1428102 (VCV001428102.6), dbSNP rs369941068, ClinGen allele CA672325.